The following is an entry in ClinVar:

ClinVar aggregate classification (germline): Likely benign. Review status: criteria provided, multiple submitters, no conflicts (2 of 4 stars). 2 submissions from 2 submitters: Likely benign (2). Last evaluated 2025-08-12.

Allele frequency attached by ClinVar (database versions not stated): gnomAD 0.00002; gnomAD exomes 0.00003; TOPMed 0.00003.
gnomAD v4.1: 45 of 1,604,732 alleles (0.0028%); highest among the groups gnomAD compares: Non-Finnish European, 0.0038%; no homozygotes.

Submissions (2):

Athena Diagnostics
Classification: Likely benign. Last evaluated: 2025-08-12. Review status: criteria provided, single submitter. Criteria: Athena Diagnostics Criteria. Collection method: clinical testing. Allele origin: unknown.
Comment: Computational tools yielded predictions that this variant is unlikely to have an effect on normal RNA splicing. This nucleotide position exhibits low evolutionary conservation.

Labcorp Genetics (formerly Invitae), Labcorp
Classification: Likely benign. Last evaluated: 2023-12-28. Review status: criteria provided, single submitter. Criteria: Invitae Variant Classification Sherloc (09022015). Collection method: clinical testing. Allele origin: germline.

NM_006946.4(SPTBN2):c.5166G>T (p.Leu1722=)

Gene: SPTBN2 (spectrin beta, non-erythrocytic 2; minus strand). Cytogenetic location: 11q13.2.
Variant type: single nucleotide variant.
Coding change: c.5166G>T on transcript NM_006946.4 (MANE Select); coding-DNA position 5166, G replaced by T.
Protein change: p.Leu1722=; no amino-acid change (leucine 1722 retained).
Molecular consequence: synonymous variant.
Genome position (GRCh38, 1-based): chr11:66,692,560, C>A on the plus strand (G>T on the coding strand, the complement: SPTBN2 is on the minus strand). VCF-style: chr11-66692560-C-A. GRCh37 (hg19) VCF-style: chr11-66460031-C-A.
Other names: c.5187G>T, p.Leu1729= (NM_001411025.1); c.5166G>T (NM_006946.2).
Identifiers: ClinVar variation 2897120 (VCV002897120.4), dbSNP rs1357488993, ClinGen allele CA475371182.